The following is an entry in ClinVar:

ClinVar aggregate classification (germline): Uncertain significance. Review status: criteria provided, multiple submitters, no conflicts (2 of 4 stars). 2 submissions from 2 submitters: Uncertain significance (2). Last evaluated 2025-11-19.

Conditions:
Hereditary cancer-predisposing syndrome. Also called: Hereditary neoplastic syndrome; Neoplastic Syndromes, Hereditary; Tumor predisposition; Hereditary Cancer Syndrome. Identifiers: Orphanet 140162, MedGen C0027672, MeSH D009386, MONDO:0015356.
Ataxia-telangiectasia syndrome (AT). Also called: LOUIS-BAR SYNDROME; Cerebello-oculocutaneous telangiectasia; Immunodeficiency with ataxia telangiectasia; AT, COMPLEMENTATION GROUP C; Ataxia-telangiectasia, complementation group D; ATAXIA-TELANGIECTASIA, COMPLEMENTATION GROUP A. Identifiers: Orphanet 100, MedGen C0004135, MONDO:0008840, OMIM 208900.

Allele frequency attached by ClinVar (database versions not stated): gnomAD exomes below 0.00001.
gnomAD v4.1: 2 of 1,614,090 alleles (0.00012%); highest among the groups gnomAD compares: Non-Finnish European, 0.00017%; no homozygotes.

Submissions (2):

Labcorp Genetics (formerly Invitae), Labcorp
Classification: Uncertain significance for Ataxia-telangiectasia syndrome. Last evaluated: 2025-11-19. Review status: criteria provided, single submitter. Criteria: Invitae Variant Classification Sherloc (09022015). Collection method: clinical testing. Allele origin: germline.
Comment: This sequence change replaces leucine, which is neutral and non-polar, with serine, which is neutral and polar, at codon 991 of the ATM protein (p.Leu991Ser). This variant is present in population databases (no rsID available, gnomAD 0.0009%). This variant has not been reported in the literature in individuals affected with ATM-related conditions. ClinVar contains an entry for this variant (Variation ID: 482740). Invitae Evidence Modeling of protein sequence and biophysical properties (such as structural, functional, and spatial information, amino acid conservation, physicochemical variation, residue mobility, and thermodynamic stability) has been performed for this missense variant. However, the output from this modeling did not meet the statistical confidence thresholds required to predict the impact of this variant on ATM protein function. In summary, the available evidence is currently insufficient to determine the role of this variant in disease. Therefore, it has been classified as a Variant of Uncertain Significance.

Ambry Genetics
Classification: Uncertain significance for Hereditary cancer-predisposing syndrome. Last evaluated: 2023-12-31. Review status: criteria provided, single submitter. Criteria: Ambry Variant Classification Scheme 2023. Collection method: clinical testing. Allele origin: germline.
Comment: The p.L991S variant (also known as c.2972T>C), located in coding exon 19 of the ATM gene, results from a T to C substitution at nucleotide position 2972. The leucine at codon 991 is replaced by serine, an amino acid with dissimilar properties. This amino acid position is highly conserved in available vertebrate species. In addition, this alteration is predicted to be deleterious by in silico analysis. Since supporting evidence is limited at this time, the clinical significance of this alteration remains unclear.

NM_000051.4(ATM):c.2972T>C (p.Leu991Ser)

Gene: ATM (ATM serine/threonine kinase; plus strand). Cytogenetic location: 11q22.3.
Variant type: single nucleotide variant.
Coding change: c.2972T>C on transcript NM_000051.4 (MANE Select); coding-DNA position 2972, T replaced by C.
Protein change: p.Leu991Ser; replaces leucine 991 with serine.
Molecular consequence: missense variant.
Genome position (GRCh38, 1-based): chr11:108,271,301, T>C. VCF-style: chr11-108271301-T-C. GRCh37 (hg19) VCF-style: chr11-108142028-T-C.
Other names: c.2972T>C, p.Leu991Ser (NM_001351834.2); short protein forms L991S.
Identifiers: ClinVar variation 482740 (VCV000482740.13), dbSNP rs1227701474, ClinGen allele CA382547272.
Genomic context (GRCh38, chr11:108,271,301, plus strand): 5'-TTTACCACAGCAATGTGTGTTCTTTGTATCGTCGTGACCAAGATGTTTGTAAAACTATTT[T>C]AAACCATGTCCTTCATGTAGTGAAAAACCTAGGTCAAAGCAATATGGACTCTGAGAACAC-3'
Protein context (NP_000042.3, residues 981-1001): RRDQDVCKTI[Leu991Ser]NHVLHVVKNL